The following is an entry in ClinVar:

NM_001256317.3(TMPRSS3):c.783-6T>C

Gene: TMPRSS3 (transmembrane serine protease 3; minus strand). Cytogenetic location: 21q22.3.
Variant type: single nucleotide variant.
Coding change: c.783-6T>C on transcript NM_001256317.3 (MANE Select); 6 bases into the intron before coding-DNA position 783, T replaced by C.
Molecular consequence: intron variant.
Genome position (GRCh38, 1-based): chr21:42,382,240, A>G on the plus strand (T>C on the coding strand, the complement: TMPRSS3 is on the minus strand). VCF-style: chr21-42382240-A-G. GRCh37 (hg19) VCF-style: chr21-43802349-A-G.
Other names: c.783-6T>C (NM_024022.4, NM_032405.2); c.402-6T>C (NM_032404.3).
Identifiers: ClinVar variation 3716159 (VCV003716159.2).

ClinVar aggregate classification (germline): Uncertain significance (1 of 4 stars; one submission).

Submission:

Labcorp Genetics (formerly Invitae), Labcorp
Classification: Uncertain significance. Last evaluated: 2024-07-02. Review status: criteria provided, single submitter. Criteria: Invitae Variant Classification Sherloc (09022015). Collection method: clinical testing. Allele origin: germline.
Comment: This sequence change falls in intron 8 of the TMPRSS3 gene. It does not directly change the encoded amino acid sequence of the TMPRSS3 protein. This variant is present in population databases (rs763750039, gnomAD 0.0009%). This variant has not been reported in the literature in individuals affected with TMPRSS3-related conditions. Algorithms developed to predict the effect of sequence changes on RNA splicing suggest that this variant may disrupt the consensus splice site. In summary, the available evidence is currently insufficient to determine the role of this variant in disease. Therefore, it has been classified as a Variant of Uncertain Significance.